The following is an entry in ClinVar:

ClinVar aggregate classification (germline): Uncertain significance (1 of 4 stars; one submission).

Conditions:
Focal segmental glomerulosclerosis 5 (FSGS5). Identifiers: Orphanet 656, MedGen C2750475, MONDO:0013191, OMIM 613237.
Charcot-Marie-Tooth disease dominant intermediate E. Also called: CHARCOT-MARIE-TOOTH NEUROPATHY WITH FOCAL SEGMENTAL GLOMERULONEPHRITIS. Identifiers: Orphanet 93114, MedGen C4302667, MONDO:0013758, OMIM 614455.

gnomAD v4.1: 2 of 1,593,864 alleles (0.00013%); highest among the groups gnomAD compares: Non-Finnish European, 0.00017%; no homozygotes.

Submission:

Labcorp Genetics (formerly Invitae), Labcorp
Classification: Uncertain significance for Charcot-Marie-Tooth disease dominant intermediate E; Focal segmental glomerulosclerosis 5. Last evaluated: 2024-10-06. Review status: criteria provided, single submitter. Criteria: Invitae Variant Classification Sherloc (09022015). Collection method: clinical testing. Allele origin: germline.
Comment: This sequence change replaces glycine, which is neutral and non-polar, with arginine, which is basic and polar, at codon 1035 of the INF2 protein (p.Gly1035Arg). This variant is not present in population databases (gnomAD no frequency). This variant has not been reported in the literature in individuals affected with INF2-related conditions. ClinVar contains an entry for this variant (Variation ID: 1514984). Invitae Evidence Modeling of protein sequence and biophysical properties (such as structural, functional, and spatial information, amino acid conservation, physicochemical variation, residue mobility, and thermodynamic stability) indicates that this missense variant is not expected to disrupt INF2 protein function with a negative predictive value of 95%. In summary, the available evidence is currently insufficient to determine the role of this variant in disease. Therefore, it has been classified as a Variant of Uncertain Significance.

NM_022489.4(INF2):c.3103G>C (p.Gly1035Arg)

Gene: INF2 (inverted formin 2; plus strand). Cytogenetic location: 14q32.33.
Variant type: single nucleotide variant.
Coding change: c.3103G>C on transcript NM_022489.4 (MANE Select); coding-DNA position 3103, G replaced by C.
Protein change: p.Gly1035Arg; replaces glycine 1035 with arginine.
Molecular consequence: missense variant.
Genome position (GRCh38, 1-based): chr14:104,714,265, G>C. VCF-style: chr14-104714265-G-C. GRCh37 (hg19) VCF-style: chr14-105180602-G-C.
Other names: c.3103G>C, p.Gly1035Arg (NM_001031714.4); short protein forms G1035R.
Identifiers: ClinVar variation 1514984 (VCV001514984.8), dbSNP rs368995122, ClinGen allele CA391223527.